The following is an entry in ClinVar:

NM_001130438.3(SPTAN1):c.3389A>G (p.Gln1130Arg)

Gene: SPTAN1 (spectrin alpha, non-erythrocytic 1; plus strand). Cytogenetic location: 9q34.11.
Variant type: single nucleotide variant.
Coding change: c.3389A>G on transcript NM_001130438.3 (MANE Select); coding-DNA position 3389, A replaced by G.
Protein change: p.Gln1130Arg; replaces glutamine 1130 with arginine.
Molecular consequence: missense variant.
Genome position (GRCh38, 1-based): chr9:128,594,348, A>G. VCF-style: chr9-128594348-A-G. GRCh37 (hg19) VCF-style: chr9-131356627-A-G.
Other names: c.3329A>G, p.Gln1110Arg (NM_001195532.2, NM_001363765.2, NM_001438444.1 and 3 more transcripts); c.3389A>G, p.Gln1130Arg (NM_001363759.2, NM_001438443.1, NM_001438445.1 and 4 more transcripts); c.3425A>G, p.Gln1142Arg (NM_001375312.2, NM_001375318.1, NM_001438440.1); short protein forms Q1110R, Q1130R, Q1142R.
Identifiers: ClinVar variation 4822108 (VCV004822108.4).
Genomic context (GRCh38, chr9:128,594,348, plus strand): 5'-AGGAAGCCGCTCTGACAAGTGAGGAGGTCGGAGCAGACTTGGAGCAGGTTGAGGTGCTCC[A>G]GAAGAAGTTTGATGACTTCCAGAAGGTATGGGCAGTCTTCAGGCTCAGCTGAAAATTTGT-3'
Protein context (NP_001123910.1, residues 1120-1140): GADLEQVEVL[Gln1130Arg]KKFDDFQKDL

ClinVar aggregate classification (germline): Uncertain significance (1 of 4 stars; one submission).

Submission:

CeGaT Center for Human Genetics Tuebingen
Classification: Uncertain significance. Last evaluated: 2026-03-01. Review status: criteria provided, single submitter. Criteria: CeGaT Center For Human Genetics Tuebingen Variant Classification Criteria Version 2. Collection method: clinical testing. Allele origin: germline. Affected: yes. Observed: 1 variant allele.
Comment: SPTAN1: PM2